The following is an entry in ClinVar:

NM_004380.3(CREBBP):c.3748_3749dup (p.Leu1251fs)

Gene: CREBBP (CREB binding lysine acetyltransferase; minus strand). Cytogenetic location: 16p13.3.
Variant type: Duplication.
Coding change: c.3748_3749dup on transcript NM_004380.3 (MANE Select); coding-DNA positions 3748 to 3749, 2 bases duplicated (AC; older notation c.3748_3749dupAC).
Protein change: p.Leu1251fs; shifts the reading frame from leucine 1251.
Molecular consequence: frameshift variant.
Genome position (GRCh38, 1-based): chr16:3,751,756-3,751,757, GT duplicated on the plus strand (AC on the coding strand, the reverse complement: CREBBP is on the minus strand). VCF-style (leftmost placement, unchanged base first): chr16-3751755-G-GGT. GRCh37 (hg19) VCF-style: chr16-3801756-G-GGT.
Other names: c.3634_3635dup, p.Leu1213fs (NM_001079846.1); short protein forms L1213fs, L1251fs.
Identifiers: ClinVar variation 2826842 (VCV002826842.3), dbSNP rs2548384585, ClinGen allele CA2739269956.

ClinVar aggregate classification (germline): Pathogenic (1 of 4 stars; one submission).

Conditions:
Rubinstein-Taybi syndrome (RSTS). Identifiers: Orphanet 783, MedGen C0035934, MONDO:0019188.

Submission:

Labcorp Genetics (formerly Invitae), Labcorp
Classification: Pathogenic for Rubinstein-Taybi syndrome. Last evaluated: 2023-01-07. Review status: criteria provided, single submitter. Criteria: Invitae Variant Classification Sherloc (09022015). Collection method: clinical testing. Allele origin: germline.
Comment: This variant has not been reported in the literature in individuals affected with CREBBP-related conditions. For these reasons, this variant has been classified as Pathogenic. This sequence change creates a premature translational stop signal (p.Leu1251Profs*26) in the CREBBP gene. It is expected to result in an absent or disrupted protein product. Loss-of-function variants in CREBBP are known to be pathogenic (PMID: 17052327, 18792986). This variant is not present in population databases (gnomAD no frequency).

Literature cited by the submitters: PubMed 17052327; PubMed 18792986.